The following is an entry in ClinVar:

ClinVar aggregate classification (germline): Likely pathogenic (1 of 4 stars; one submission).

Conditions:
Sulfite oxidase deficiency due to molybdenum cofactor deficiency type C. Also called: Molybdenum cofactor deficiency, complementation group C; Molybdenum cofactor deficiency C. Identifiers: Orphanet 308400, Orphanet 833, MedGen C1854990, MONDO:0014212, OMIM 615501.

gnomAD v4.1: 1 of 1,553,422 alleles (0.000064%); highest among the groups gnomAD compares: Non-Finnish European, 0.000089%; no homozygotes.

Submission:

Labcorp Genetics (formerly Invitae), Labcorp
Classification: Likely pathogenic for Sulfite oxidase deficiency due to molybdenum cofactor deficiency type C. Last evaluated: 2025-02-27. Review status: criteria provided, single submitter. Criteria: Invitae Variant Classification Sherloc (09022015). Collection method: clinical testing. Allele origin: germline.
Comment: This sequence change affects a donor splice site in intron 8 of the GPHN gene. It is expected to disrupt RNA splicing. Variants that disrupt the donor or acceptor splice site typically lead to a loss of protein function (PMID: 16199547), and loss-of-function variants in GPHN are known to be pathogenic (PMID: 11095995, 23184456, 23393157, 24561070, 26613940). This variant is not present in population databases (gnomAD no frequency). This variant has not been reported in the literature in individuals affected with GPHN-related conditions. Algorithms developed to predict the effect of sequence changes on RNA splicing suggest that this variant may disrupt the consensus splice site. In summary, the currently available evidence indicates that the variant is pathogenic, but additional data are needed to prove that conclusively. Therefore, this variant has been classified as Likely Pathogenic.

Literature cited by the submitters: PubMed 16199547; PubMed 11095995; PubMed 23184456; PubMed 23393157; PubMed 24561070; PubMed 26613940.

NM_020806.5(GPHN):c.828+1G>T

Gene: GPHN (gephyrin; plus strand). Cytogenetic location: 14q23.3.
Variant type: single nucleotide variant.
Coding change: c.828+1G>T on transcript NM_020806.5 (MANE Select); the canonical splice donor site of the intron after coding-DNA position 828, G replaced by T.
Molecular consequence: splice donor variant. On other transcripts: intron variant (7).
Genome position (GRCh38, 1-based): chr14:66,924,293, G>T. VCF-style: chr14-66924293-G-T. GRCh37 (hg19) VCF-style: chr14-67391010-G-T.
Other names: c.768+1355G>T (NM_001377514.1, NM_001377519.1); c.729+1355G>T (NM_001377515.1, NM_001377516.1, NM_001377518.1 and 2 more transcripts).
Identifiers: ClinVar variation 3691479 (VCV003691479.2).
Genomic context (GRCh38, chr14:66,924,293, plus strand): 5'-CACGGTGAACAGCCCATCCCTGGTCTCATCAATTATTCCCATCATTCAACAGATGAACGG[G>T]TAAGACAAGAGGCTTTTGCATTAATGGTTTTCCAAATATGTATTCTACTTCCTCTCCTTG-3'